The following is an entry in ClinVar:

ClinVar aggregate classification (germline): Uncertain significance (1 of 4 stars; one submission).

gnomAD v4.1: 91 of 1,606,210 alleles (0.0057%); highest among the groups gnomAD compares: Admixed American, 0.029%; no homozygotes.

Submission:

GeneDx
Classification: Uncertain significance. Last evaluated: 2026-02-15. Review status: criteria provided, single submitter. Criteria: GeneDx Variant Classification Process June 2021. Collection method: clinical testing. Allele origin: germline.
Comment: In silico analysis suggests that this missense variant does not alter protein structure/function; Has not been previously published as pathogenic or benign to our knowledge

NM_018245.3(OGDHL):c.770G>A (p.Arg257Gln)

Gene: OGDHL (oxoglutarate dehydrogenase L; minus strand). Cytogenetic location: 10q11.23.
Variant type: single nucleotide variant.
Coding change: c.770G>A on transcript NM_018245.3 (MANE Select); coding-DNA position 770, G replaced by A.
Protein change: p.Arg257Gln; replaces arginine 257 with glutamine.
Molecular consequence: missense variant. On other transcripts: 5 prime UTR variant (1), non-coding transcript variant (5).
Genome position (GRCh38, 1-based): chr10:49,750,965, C>T on the plus strand (G>A on the coding strand, the complement: OGDHL is on the minus strand). VCF-style: chr10-49750965-C-T. GRCh37 (hg19) VCF-style: chr10-50959011-C-T.
Other names: c.599G>A, p.Arg200Gln (NM_001143996.2, NM_001347820.1); c.143G>A, p.Arg48Gln (NM_001143997.2, NM_001347821.2, NM_001347822.1 and 1 more transcripts); c.770G>A, p.Arg257Gln (NM_001347819.1, NM_001347823.1, NM_001347824.2); c.-157G>A (NM_001347826.1); short protein forms R200Q, R257Q, R48Q.
Identifiers: ClinVar variation 4976579 (VCV004976579.1).